The following is an entry in ClinVar:

ClinVar aggregate classification (germline): Uncertain significance (1 of 4 stars; one submission).

gnomAD v4.1: 2 of 1,613,874 alleles (0.00012%); highest among the groups gnomAD compares: Non-Finnish European, 0.000085%; no homozygotes.

Submission:

Dasa
Classification: Uncertain significance. Last evaluated: 2025-08-24. Review status: criteria provided, single submitter. Criteria: DASA Assertion Criteria. Collection method: clinical testing. Allele origin: germline.
Comment: NM_181458.4(PAX3):c.289C>T (p.Arg97Cys) is a missense variant that results in the substitution of arginine with cysteine. The affected residue or protein region has prior evidence supporting clinical relevance. Multiple computational predictions support a deleterious effect on the gene or gene product. The variant is present at low frequency in population datasets. Based on the available data, this variant is classified as variant of uncertain significance.

NM_181458.4(PAX3):c.289C>T (p.Arg97Cys)

Gene: PAX3 (paired box 3; minus strand). Cytogenetic location: 2q36.1.
Variant type: single nucleotide variant.
Coding change: c.289C>T on transcript NM_181458.4 (MANE Select); coding-DNA position 289, C replaced by T.
Protein change: p.Arg97Cys; replaces arginine 97 with cysteine.
Molecular consequence: missense variant.
Genome position (GRCh38, 1-based): chr2:222,297,010, G>A on the plus strand (C>T on the coding strand, the complement: PAX3 is on the minus strand). VCF-style: chr2-222297010-G-A. GRCh37 (hg19) VCF-style: chr2-223161729-G-A.
Other names: c.289C>T, p.Arg97Cys (NM_000438.6, NM_001127366.3, NM_013942.5 and 4 more transcripts); short protein forms R97C.
Identifiers: ClinVar variation 4851902 (VCV004851902.1).